The following is an entry in ClinVar:

NM_000288.4(PEX7):c.618G>T (p.Trp206Cys)

Gene: PEX7 (peroxisomal biogenesis factor 7; plus strand). Cytogenetic location: 6q23.3.
Variant type: single nucleotide variant.
Coding change: c.618G>T on transcript NM_000288.4 (MANE Select); coding-DNA position 618, G replaced by T.
Protein change: p.Trp206Cys; replaces tryptophan 206 with cysteine.
Molecular consequence: missense variant.
Genome position (GRCh38, 1-based): chr6:136,866,718, G>T. VCF-style: chr6-136866718-G-T. GRCh37 (hg19) VCF-style: chr6-137187856-G-T.
Other names: c.504G>T, p.Trp168Cys (NM_001410945.1); short protein forms W168C, W206C.
Identifiers: ClinVar variation 1938348 (VCV001938348.5), dbSNP rs61753245, ClinGen allele CA365763160.

ClinVar aggregate classification (germline): Uncertain significance (1 of 4 stars; one submission).

Conditions:
Peroxisome biogenesis disorder 9B. Also called: PEX7-Related Refsum Disease; Refsum disease, adult, 2; PEROXISOME BIOGENESIS DISORDER, PEX7-RELATED, ATYPICAL. Identifiers: Orphanet 773, MedGen C2749346, MONDO:0013945, OMIM 614879.

Submission:

Labcorp Genetics (formerly Invitae), Labcorp
Classification: Uncertain significance for Peroxisome biogenesis disorder 9B. Last evaluated: 2022-07-11. Review status: criteria provided, single submitter. Criteria: Invitae Variant Classification Sherloc (09022015). Collection method: clinical testing. Allele origin: germline.
Comment: In summary, the available evidence is currently insufficient to determine the role of this variant in disease. Therefore, it has been classified as a Variant of Uncertain Significance. Algorithms developed to predict the effect of missense changes on protein structure and function (SIFT, PolyPhen-2, Align-GVGD) all suggest that this variant is likely to be disruptive. This variant has not been reported in the literature in individuals affected with PEX7-related conditions. This variant is not present in population databases (gnomAD no frequency). This sequence change replaces tryptophan, which is neutral and slightly polar, with cysteine, which is neutral and slightly polar, at codon 206 of the PEX7 protein (p.Trp206Cys).